The following is an entry in ClinVar:

ClinVar aggregate classification (germline): Pathogenic (1 of 4 stars; one submission).

Conditions:
LAMA2-related muscular dystrophy (LAMA2-RD). Also called: Laminin alpha 2-related dystrophy. Identifiers: MedGen C5679788, MONDO:0100228.

Submission:

Labcorp Genetics (formerly Invitae), Labcorp
Classification: Pathogenic for LAMA2-related muscular dystrophy. Last evaluated: 2020-10-08. Review status: criteria provided, single submitter. Criteria: Invitae Variant Classification Sherloc (09022015). Collection method: clinical testing. Allele origin: germline.
Comment: This sequence change results in a premature translational stop signal in the LAMA2 gene (p.Pro3053Glnfs*26). While this is not anticipated to result in nonsense mediated decay, it is expected to disrupt the last 70 amino acid(s) of the LAMA2 protein. This variant is not present in population databases (ExAC no frequency). This variant has not been reported in the literature in individuals with LAMA2-related conditions. This variant disrupts the C-terminus of the LAMA2 protein. Other variant(s) that disrupt this region (p.Lys3074Asnfs*5) have been determined to be pathogenic (PMID: 20207543). This suggests that variants that disrupt this region of the protein are likely to be causative of disease. For these reasons, this variant has been classified as Pathogenic.

Literature cited by the submitters: PubMed 20207543.

NM_000426.4(LAMA2):c.9158del (p.Pro3053fs)

Gene: LAMA2 (laminin subunit alpha 2; plus strand). Cytogenetic location: 6q22.33.
Variant type: Deletion.
Coding change: c.9158del on transcript NM_000426.4 (MANE Select); coding-DNA position 9158, one base deleted (C; older notation c.9158delC).
Protein change: p.Pro3053fs; shifts the reading frame from proline 3053.
Molecular consequence: frameshift variant.
Genome position (GRCh38, 1-based): chr6:129,514,542, C deleted; the last of 3 consecutive C bases (chr6:129,514,540-129,514,542); deleting any one gives the same sequence. VCF-style (leftmost placement, unchanged base first): chr6-129514539-AC-A. GRCh37 (hg19) VCF-style: chr6-129835684-AC-A.
Other names: c.9146del, p.Pro3049fs (NM_001079823.2); short protein forms P3049fs, P3053fs.
Identifiers: ClinVar variation 1076735 (VCV001076735.9), dbSNP rs2114939704, ClinGen allele CA2499218102.